The following is an entry in ClinVar:

NM_004385.5(VCAN):c.1501T>C (p.Ser501Pro)

Gene: VCAN (versican; plus strand). Cytogenetic location: 5q14.3.
Variant type: single nucleotide variant.
Coding change: c.1501T>C on transcript NM_004385.5 (MANE Select); coding-DNA position 1501, T replaced by C.
Protein change: p.Ser501Pro; replaces serine 501 with proline.
Molecular consequence: missense variant. On other transcripts: intron variant (2).
Genome position (GRCh38, 1-based): chr5:83,519,807, T>C. VCF-style: chr5-83519807-T-C. GRCh37 (hg19) VCF-style: chr5-82815626-T-C.
Other names: c.1501T>C, p.Ser501Pro (NM_001164098.2); c.1042+7411T>C (NM_001164097.2, NM_001126336.3); short protein forms S501P.
Identifiers: ClinVar variation 1704102 (VCV001704102.5), dbSNP rs1249593800, ClinGen allele CA360300565.
Genomic context (GRCh38, chr5:83,519,807, plus strand): 5'-AAACAAACACAAGAATCGGTTACACAGATTGAACAAATAGAAGTGGGTCCTTTGGTAACA[T>C]CTATGGAAATCTTAAAGCACATTCCTTCCAAGGAATTCCCTGTAACTGAAACACCATTGG-3'
Protein context (NP_004376.2, residues 491-511): EQIEVGPLVT[Ser501Pro]MEILKHIPSK

ClinVar aggregate classification (germline): Uncertain significance. Review status: criteria provided, multiple submitters, no conflicts (2 of 4 stars). 2 submissions from 2 submitters: Uncertain significance (2). Last evaluated 2022-11-10.

Submissions (2):

Labcorp Genetics (formerly Invitae), Labcorp
Classification: Uncertain significance. Last evaluated: 2022-11-10. Review status: criteria provided, single submitter. Criteria: Invitae Variant Classification Sherloc (09022015). Collection method: clinical testing. Allele origin: germline.
Comment: This variant has not been reported in the literature in individuals affected with VCAN-related conditions. In summary, the available evidence is currently insufficient to determine the role of this variant in disease. Therefore, it has been classified as a Variant of Uncertain Significance. Algorithms developed to predict the effect of missense changes on protein structure and function are either unavailable or do not agree on the potential impact of this missense change (SIFT: "Deleterious"; PolyPhen-2: "Probably Damaging"; Align-GVGD: "Class C0"). ClinVar contains an entry for this variant (Variation ID: 1704102). This variant is not present in population databases (gnomAD no frequency). This sequence change replaces serine, which is neutral and polar, with proline, which is neutral and non-polar, at codon 501 of the VCAN protein (p.Ser501Pro).

GeneDx
Classification: Uncertain significance. Last evaluated: 2022-02-22. Review status: criteria provided, single submitter. Criteria: GeneDx Variant Classification Process June 2021. Collection method: clinical testing. Allele origin: germline. Affected: yes.
Comment: Not observed at significant frequency in large population cohorts (gnomAD); In silico analysis supports that this missense variant does not alter protein structure/function; Has not been previously published as pathogenic or benign to our knowledge